The following is an entry in ClinVar:

NM_014806.5(RUSC2):c.3762C>A (p.Ala1254=)

Gene: RUSC2 (RUN and SH3 domain containing 2; plus strand). Cytogenetic location: 9p13.3.
Variant type: single nucleotide variant.
Coding change: c.3762C>A on transcript NM_014806.5 (MANE Select); coding-DNA position 3762, C replaced by A.
Protein change: p.Ala1254=; no amino-acid change (alanine 1254 retained).
Molecular consequence: synonymous variant. On other transcripts: non-coding transcript variant (1).
Genome position (GRCh38, 1-based): chr9:35,560,402, C>A. VCF-style: chr9-35560402-C-A. GRCh37 (hg19) VCF-style: chr9-35560399-C-A.
Other names: c.3762C>A, p.Ala1254= (NM_001135999.2); c.1128C>A, p.Ala376= (NM_001330740.2).
Identifiers: ClinVar variation 3770978 (VCV003770978.13).

ClinVar aggregate classification (germline): Likely benign (1 of 4 stars; one submission).

Submission:

CeGaT Center for Human Genetics Tuebingen
Classification: Likely benign. Last evaluated: 2025-01-01. Review status: criteria provided, single submitter. Criteria: CeGaT Center For Human Genetics Tuebingen Variant Classification Criteria Version 2. Collection method: clinical testing. Allele origin: germline. Affected: yes. Observed: 1 variant allele.
Comment: RUSC2: PM2:Supporting, BP4, BP7